The following is an entry in ClinVar:

ClinVar aggregate classification (germline): Benign/Likely benign. Review status: criteria provided, multiple submitters, no conflicts (2 of 4 stars). 6 submissions from 6 submitters: Benign (1); Likely benign (5). Last evaluated 2026-01-26.

Conditions:
Birt-Hogg-Dube syndrome. Also called: Birt Hogg Dubé syndrome. Identifiers: Orphanet 122, MedGen C0346010, MONDO:0800444.
Birt-Hogg-Dube syndrome 1 (BHD1). Also called: FIBROFOLLICULOMAS WITH TRICHODISCOMAS AND ACROCHORDONS. Identifiers: Orphanet 122, MedGen CN375946, MONDO:0800445, OMIM 135150.
Hereditary cancer-predisposing syndrome. Also called: Hereditary neoplastic syndrome; Tumor predisposition; Neoplastic Syndromes, Hereditary; Hereditary Cancer Syndrome. Identifiers: Orphanet 140162, MedGen C0027672, MeSH D009386, MONDO:0015356.

Allele frequency attached by ClinVar (database versions not stated): gnomAD exomes 0.00001; ExAC 0.00002.
gnomAD v4.1: 12 of 1,614,110 alleles (0.00074%); highest among the groups gnomAD compares: African/African-American, 0.0013%; no homozygotes.

Submissions (6):

Labcorp Genetics (formerly Invitae), Labcorp
Classification: Likely benign for Birt-Hogg-Dube syndrome. Last evaluated: 2026-01-26. Review status: criteria provided, single submitter. Criteria: Invitae Variant Classification Sherloc (09022015). Collection method: clinical testing. Allele origin: germline.

Center for Genomic Medicine, Rigshospitalet, Copenhagen University Hospital
Classification: Likely benign. Last evaluated: 2025-03-04. Review status: criteria provided, single submitter. Criteria: ACMG Guidelines, 2015. Collection method: clinical testing. Allele origin: germline.

Myriad Genetics, Inc.
Classification: Benign for Birt-Hogg-Dube syndrome 1. Last evaluated: 2024-10-22. Review status: criteria provided, single submitter. Criteria: Myriad Autosomal Dominant, Autosomal Recessive and X-Linked Classification Criteria (2023). Collection method: clinical testing. Allele origin: unknown.
Comment: This variant is considered benign. This variant is a silent/synonymous amino acid change and it is not expected to impact splicing.

Sema4
Classification: Likely benign for Hereditary cancer-predisposing syndrome. Last evaluated: 2022-03-04. Review status: criteria provided, single submitter. Criteria: Sema4 Curation Guidelines. Collection method: curation. Allele origin: germline.

Ambry Genetics
Classification: Likely benign for Hereditary cancer-predisposing syndrome. Last evaluated: 2020-07-09. Review status: criteria provided, single submitter. Criteria: Ambry Variant Classification Scheme 2023. Collection method: clinical testing. Allele origin: germline.

GeneDx
Classification: Likely benign. Last evaluated: 2020-03-11. Review status: criteria provided, single submitter. Criteria: GeneDx Variant Classification Process June 2021. Collection method: clinical testing. Allele origin: germline. Affected: yes.

NM_144997.7(FLCN):c.237G>A (p.Ser79=)

Gene: FLCN (folliculin; minus strand). Cytogenetic location: 17p11.2.
Variant type: single nucleotide variant.
Coding change: c.237G>A on transcript NM_144997.7 (MANE Select); coding-DNA position 237, G replaced by A.
Protein change: p.Ser79=; no amino-acid change (serine 79 retained).
Molecular consequence: synonymous variant.
Genome position (GRCh38, 1-based): chr17:17,227,901, C>T on the plus strand (G>A on the coding strand, the complement: FLCN is on the minus strand). VCF-style: chr17-17227901-C-T. GRCh37 (hg19) VCF-style: chr17-17131215-C-T.
Other names: c.237G>A, p.Ser79= (NM_144606.7, NM_001353229.2, NM_001353230.2 and 1 more transcripts).
Identifiers: ClinVar variation 1112102 (VCV001112102.16), dbSNP rs771650940, ClinGen allele CA8416488.